The following is an entry in ClinVar:

ClinVar aggregate classification (germline): Uncertain significance (1 of 4 stars; one submission).

Conditions:
CASR-related disorder. Also called: CASR-related condition.

Submission:

PreventionGenetics, part of Exact Sciences
Classification: Uncertain significance for CASR-related condition. Last evaluated: 2026-02-27. Review status: criteria provided, single submitter. Criteria: ACMG Guidelines, 2015. Collection method: clinical testing. Allele origin: germline.
Comment: The CASR c.417T>G variant is predicted to result in the amino acid substitution p.Ile139Met. To our knowledge, this variant has not been reported in the literature or in a large population database (gnomAD), indicating this variant is rare. An alternate missense change at the same amino acid position (c.416T>C, p.Ile139Thr) has been reported in multiple individuals with autosomal dominant hypocalcemia (see for example: Wang et al. 2019. PubMed ID: 31433868; Zung et al. 2023. PubMed ID: 36812896) At this time, the clinical significance of the p.Ile139Met variant is uncertain due to the absence of conclusive functional and genetic evidence.

NM_000388.4(CASR):c.417T>G (p.Ile139Met)

Gene: CASR (calcium sensing receptor; plus strand). Cytogenetic location: 3q21.1.
Variant type: single nucleotide variant.
Coding change: c.417T>G on transcript NM_000388.4 (MANE Select); coding-DNA position 417, T replaced by G.
Protein change: p.Ile139Met; replaces isoleucine 139 with methionine.
Molecular consequence: missense variant.
Genome position (GRCh38, 1-based): chr3:122,257,312, T>G. VCF-style: chr3-122257312-T-G. GRCh37 (hg19) VCF-style: chr3-121976159-T-G.
Other names: c.417T>G, p.Ile139Met (NM_001178065.2); short protein forms I139M.
Identifiers: ClinVar variation 4992340 (VCV004992340.1).